The following is an entry in ClinVar:

ClinVar aggregate classification (germline): Uncertain significance (1 of 4 stars; one submission).

Conditions:
Hereditary cancer-predisposing syndrome. Also called: Neoplastic Syndromes, Hereditary; Hereditary Cancer Syndrome; Tumor predisposition; Hereditary neoplastic syndrome. Identifiers: Orphanet 140162, MedGen C0027672, MeSH D009386, MONDO:0015356.

Submission:

Ambry Genetics
Classification: Uncertain significance for Hereditary cancer-predisposing syndrome. Last evaluated: 2025-02-15. Review status: criteria provided, single submitter. Criteria: Ambry Variant Classification Scheme 2023. Collection method: clinical testing. Allele origin: germline.
Comment: The p.Q762E variant (also known as c.2284C>G), located in coding exon 14 of the RAD50 gene, results from a C to G substitution at nucleotide position 2284. The glutamine at codon 762 is replaced by glutamic acid, an amino acid with highly similar properties. This amino acid position is conserved. In addition, this alteration is predicted to be tolerated by in silico analysis. Based on the available evidence, the clinical significance of this variant remains unclear.

NM_005732.4(RAD50):c.2284C>G (p.Gln762Glu)

Gene: RAD50 (RAD50 double strand break repair protein; plus strand). Cytogenetic location: 5q31.1.
Variant type: single nucleotide variant.
Coding change: c.2284C>G on transcript NM_005732.4 (MANE Select); coding-DNA position 2284, C replaced by G.
Protein change: p.Gln762Glu; replaces glutamine 762 with glutamic acid.
Molecular consequence: missense variant.
Genome position (GRCh38, 1-based): chr5:132,603,376, C>G. VCF-style: chr5-132603376-C-G. GRCh37 (hg19) VCF-style: chr5-131939068-C-G.
Other names: short protein forms Q762E.
Identifiers: ClinVar variation 3786313 (VCV003786313.1).